The following is an entry in ClinVar:

ClinVar aggregate classification (germline): Likely pathogenic (1 of 4 stars; one submission).

Conditions:
X-linked Alport syndrome (ATS1). Also called: NEPHROPATHY AND DEAFNESS, X-LINKED; COL4A5-Related Nephropathy. Identifiers: Orphanet 63, Orphanet 88917, MedGen C4746986, MONDO:0010520, OMIM 301050.

Submission:

Women's Health and Genetics/Laboratory Corporation of America, LabCorp
Classification: Likely pathogenic for X-linked Alport syndrome. Last evaluated: 2023-02-03. Review status: criteria provided, single submitter. Criteria: LabCorp Variant Classification Summary - May 2015. Collection method: clinical testing. Allele origin: germline.
Comment: Variant summary: COL4A5 c.4079_4080delinsTC (p.Gly1360Val) results in a non-conservative amino acid change in the encoded protein sequence. Three of five in-silico tools predict a damaging effect of the variant on protein function. This variant was located in collagen triple helix repeat (Gly-X-Y, PMID: 8651296) and Gly residue in this repeat was functional important of fibrillar collagens. In addition, other variants (ex. p.G1354S, p.G1357S, p.G1379V) with replacing glycine around this variant were found in patients associated with diseases in HGMD. The variant was absent in 182877 control chromosomes (gnomAD). The available data on variant occurrences in the general population are insufficient to allow any conclusion about variant significance. To our knowledge, no occurrence of c.4079_4080delinsTC in individuals affected with Alport Syndrome 1, X-Linked Recessive and no experimental evidence demonstrating its impact on protein function have been reported. No clinical diagnostic laboratories have submitted clinical-significance assessments for this variant to ClinVar after 2014. However, another variant in the same residue, c.4079G>A (p.Gly1360Asp), has been classified as pathogenic in one ClinVar lab. Based on the evidence outlined above, the variant was classified as likely pathogenic.

NM_033380.3(COL4A5):c.4097_4098inv (p.Gly1366Val)

Gene: COL4A5 (collagen type IV alpha 5 chain; plus strand). Cytogenetic location: Xq22.3.
Variant type: Inversion.
Coding change: c.4097_4098inv on transcript NM_033380.3 (MANE Select).
Protein change: p.Gly1366Val; replaces glycine 1366 with valine.
Molecular consequence: missense variant.
Genome position: GRCh38 VCF-style: chrX-108681769-GA-TC. GRCh37 (hg19) VCF-style: chrX-107924999-GA-TC.
Other names: c.4079_4080delinsTC (NM_000495.4); c.4079_4080inv, p.Gly1360Val (NM_000495.5); short protein forms G1360V, G1366V.
Identifiers: ClinVar variation 2445904 (VCV002445904.1), ClinGen allele CA2580100211.
Genomic context (GRCh38, chrX:108,681,769, plus strand): 5'-TTTCTTGTAACCTTTCTCTTTCCCTTCAAATTTGTGTGTTTTGTCTCATAGGTCCTCCTG[GA>TC]TTACCTGGTCCTTCAGGACAGAGTATCATAATTAAAGGAGATGCTGGTCCTCCAGGAATC-3'
Protein context (NP_203699.1, residues 1356-1376): PGLIGPPGPP[Gly1366Val]LPGPSGQSII